The following is an entry in ClinVar:

ClinVar aggregate classification (germline): Uncertain significance (1 of 4 stars; one submission).

gnomAD v4.1: 5 of 1,611,346 alleles (0.00031%); highest among the groups gnomAD compares: South Asian, 0.0011%; no homozygotes.

Submission:

Labcorp Genetics (formerly Invitae), Labcorp
Classification: Uncertain significance. Last evaluated: 2025-06-27. Review status: criteria provided, single submitter. Criteria: Invitae Variant Classification Sherloc (09022015). Collection method: clinical testing. Allele origin: germline.
Comment: This sequence change replaces valine, which is neutral and non-polar, with methionine, which is neutral and non-polar, at codon 150 of the KATNB1 protein (p.Val150Met). This variant is not present in population databases (gnomAD no frequency). This missense change has been observed in individual(s) with clinical features of KATNB1-related conditions (internal data). ClinVar contains an entry for this variant (Variation ID: 3676098). An algorithm developed to predict the effect of missense changes on protein structure and function (PolyPhen-2) suggests that this variant is likely to be disruptive. In summary, the available evidence is currently insufficient to determine the role of this variant in disease. Therefore, it has been classified as a Variant of Uncertain Significance.

NM_005886.3(KATNB1):c.448G>A (p.Val150Met)

Gene: KATNB1 (katanin regulatory subunit B1; plus strand). Cytogenetic location: 16q21.
Variant type: single nucleotide variant.
Coding change: c.448G>A on transcript NM_005886.3 (MANE Select); coding-DNA position 448, G replaced by A.
Protein change: p.Val150Met; replaces valine 150 with methionine.
Molecular consequence: missense variant.
Genome position (GRCh38, 1-based): chr16:57,751,656, G>A. VCF-style: chr16-57751656-G-A. GRCh37 (hg19) VCF-style: chr16-57785568-G-A.
Other names: short protein forms V150M.
Identifiers: ClinVar variation 3676098 (VCV003676098.2).